The following is an entry in ClinVar:

NM_000548.5(TSC2):c.2546-6C>T

Gene: TSC2 (TSC complex subunit 2; plus strand). Cytogenetic location: 16p13.3.
Variant type: single nucleotide variant.
Coding change: c.2546-6C>T on transcript NM_000548.5 (MANE Select); 6 bases into the intron before coding-DNA position 2546, C replaced by T.
Molecular consequence: intron variant.
Genome position (GRCh38, 1-based): chr16:2,075,793, C>T. VCF-style: chr16-2075793-C-T. GRCh37 (hg19) VCF-style: chr16-2125794-C-T.
Other names: c.2546-6C>T (NM_001114382.3, NM_021055.3, NM_001370405.1 and 3 more transcripts); c.2435-6C>T (NM_001318827.2); c.1946-6C>T (NM_001318831.2); c.2399-6C>T (NM_001318829.2); c.2579-6C>T (NM_001318832.2).
Identifiers: ClinVar variation 413637 (VCV000413637.19), dbSNP rs372088609, ClinGen allele CA039969.
Genomic context (GRCh38, chr16:2,075,793, plus strand): 5'-CGTGTTGGCCTTCAGAGGCGCTGCACGGGACCCCGGCTCCCCTGACCACCCTCTCCATTA[C>T]CGCAGCTCTGGCCAGGCTGCCGCACCTCTACAGGAACTTTGCCGCGGAGCAGTATGCCAG-3'

ClinVar aggregate classification (germline): Conflicting classifications of pathogenicity. Review status: criteria provided, conflicting classifications (1 of 4 stars). 9 submissions from 9 submitters: Uncertain significance (1); Benign (2); Likely benign (6). Last evaluated 2026-06-16.

Conditions:
Tuberous sclerosis 2 (TSC2). Identifiers: Orphanet 805, MedGen C1860707, MONDO:0013199, OMIM 613254.
Tuberous sclerosis syndrome (TSC). Also called: Tuberous sclerosis; Tuberous Sclerosis Complex. Identifiers: Orphanet 805, MedGen C0041341, MONDO:0001734.
Lymphangiomyomatosis (LAM). Also called: Lymphangioleiomyomatosis; Lymphangioleiomyomatosis, somatic. Identifiers: Orphanet 538, MedGen C0751674, MONDO:0011705, OMIM 606690.
Isolated focal cortical dysplasia type II (FCORD2). Also called: Focal cortical dysplasia type II; CORTICAL DYSPLASIA OF TAYLOR. Identifiers: Orphanet 268994, MedGen C1846385, MONDO:0011818, OMIM 607341, HP:0032051.
Hereditary cancer-predisposing syndrome. Also called: Neoplastic Syndromes, Hereditary; Hereditary Cancer Syndrome; Tumor predisposition; Hereditary neoplastic syndrome. Identifiers: Orphanet 140162, MedGen C0027672, MeSH D009386, MONDO:0015356.

Allele frequency attached by ClinVar (database versions not stated): TOPMed 0.00005; gnomAD 0.00006 and 0.00005; ESP Exome Variant Server 0.00008.
gnomAD v4.1: 11 of 1,612,196 alleles (0.00068%); highest among the groups gnomAD compares: African/African-American, 0.015%; no homozygotes.

Submissions (9):

Ambry Genetics
Classification: Uncertain significance for Hereditary cancer-predisposing syndrome. Last evaluated: 2026-06-16. Review status: criteria provided, single submitter. Criteria: Ambry Variant Classification Scheme 2023. Collection method: clinical testing. Allele origin: germline.
Comment: The c.2546-6C>T intronic alteration consists of a C to T substitution 6 nucleotides before coding exon 22 in the TSC2 gene. Based on data from gnomAD, the T allele has an overall frequency of 0.002% (5/280644) total alleles studied. The highest observed frequency was 0.02% (5/24786) of African alleles. Based on insufficient or conflicting evidence, the clinical significance of this alteration remains unclear.

Labcorp Genetics (formerly Invitae), Labcorp
Classification: Likely benign for Tuberous sclerosis 2. Last evaluated: 2026-02-04. Review status: criteria provided, single submitter. Criteria: Invitae Variant Classification Sherloc (09022015). Collection method: clinical testing. Allele origin: germline.

Myriad Genetics, Inc.
Classification: Benign for Tuberous sclerosis 2. Last evaluated: 2024-09-09. Review status: criteria provided, single submitter. Criteria: Myriad Autosomal Dominant, Autosomal Recessive and X-Linked Classification Criteria (2023). Collection method: clinical testing. Allele origin: unknown.
Comment: This variant is considered benign. This variant is intronic and is not expected to impact mRNA splicing. This variant has been observed at a population frequency that is significantly greater than expected given the associated disease prevalence and penetrance.

All of Us Research Program, National Institutes of Health
Classification: Likely benign for Tuberous sclerosis syndrome. Last evaluated: 2023-10-02. Review status: criteria provided, single submitter. Criteria: ACMG Guidelines, 2015. Collection method: clinical testing. Allele origin: germline. Inheritance: Autosomal dominant inheritance. Observed: 2 variant alleles, 2 heterozygotes.
Comment: This study involves interpretation of variants in research participants for the purpose of population health screening. Participant phenotype was not available at the time of variant classification. Additional details can be found in publication PMID: 35346344, PMCID: PMC8962531

Color Diagnostics, LLC DBA Color Health
Classification: Likely benign for Tuberous sclerosis syndrome. Last evaluated: 2022-11-29. Review status: criteria provided, single submitter. Criteria: ACMG Guidelines, 2015. Collection method: clinical testing. Allele origin: germline.

Fulgent Genetics
Classification: Likely benign for Lymphangiomyomatosis; Isolated focal cortical dysplasia type II; Tuberous sclerosis 2. Last evaluated: 2022-05-31. Review status: criteria provided, single submitter. Criteria: ACMG Guidelines, 2015. Collection method: clinical testing. Allele origin: unknown.

Sema4
Classification: Likely benign for Hereditary cancer-predisposing syndrome. Last evaluated: 2021-11-25. Review status: criteria provided, single submitter. Criteria: Sema4 Curation Guidelines. Collection method: curation. Allele origin: germline.

Genome-Nilou Lab
Classification: Benign for Tuberous sclerosis 2. Last evaluated: 2021-11-07. Review status: criteria provided, single submitter. Criteria: ACMG Guidelines, 2015. Collection method: clinical testing. Allele origin: germline. Affected: no.

GeneDx
Classification: Likely benign. Last evaluated: 2018-01-12. Review status: criteria provided, single submitter. Criteria: GeneDx Variant Classification (06012015). Collection method: clinical testing. Allele origin: germline. Affected: yes.
Comment: This variant is considered likely benign or benign based on one or more of the following criteria: it is a conservative change, it occurs at a poorly conserved position in the protein, it is predicted to be benign by multiple in silico algorithms, and/or has population frequency not consistent with disease.